The following is an entry in ClinVar:

ClinVar aggregate classification (germline): Likely benign (1 of 4 stars; one submission).

Submission:

GeneDx
Classification: Likely benign. Last evaluated: 2015-10-16. Review status: criteria provided, single submitter. Criteria: GeneDx Variant Classification (06012015). Collection method: clinical testing. Allele origin: germline. Affected: yes.
Comment: This variant is considered likely benign or benign based on one or more of the following criteria: it is a conservative change, it occurs at a poorly conserved position in the protein, it is predicted to be benign by multiple in silico algorithms, and/or has population frequency not consistent with disease.

NM_018328.5(MBD5):c.-962+16C>T

Genes: MBD5 (methyl-CpG binding domain protein 5; plus strand), ORC4 (origin recognition complex subunit 4; minus strand). Cytogenetic location: 2q23.1.
Variant type: single nucleotide variant.
Coding change: c.-962+16C>T on transcript NM_018328.5; 16 bases into the intron after 962 bases upstream of the start codon, C replaced by T.
Molecular consequence: intron variant.
Genome position (GRCh38, 1-based): chr2:148,021,062, C>T. VCF-style: chr2-148021062-C-T. GRCh37 (hg19) VCF-style: chr2-148778631-C-T.
Other names: c.-18+386G>A (NM_181742.4); c.-925+16C>T (NM_001438862.1).
Identifiers: ClinVar variation 381112 (VCV000381112.3), dbSNP rs1057520964, ClinGen allele CA16603811.